The following is an entry in ClinVar:

NM_000719.7(CACNA1C):c.5048T>G (p.Met1683Arg)

Genes: CACNA1C (calcium voltage-gated channel subunit alpha1 C; plus strand), CACNA1C-AS1 (CACNA1C antisense RNA 1; minus strand). Cytogenetic location: 12p13.33.
Variant type: single nucleotide variant.
Coding change: c.5048T>G on transcript NM_000719.7 (MANE Select); coding-DNA position 5048, T replaced by G.
Protein change: p.Met1683Arg; replaces methionine 1683 with arginine.
Molecular consequence: missense variant. On other transcripts: non-coding transcript variant (1).
Genome position (GRCh38, 1-based): chr12:2,677,824, T>G. VCF-style: chr12-2677824-T-G. GRCh37 (hg19) VCF-style: chr12-2786990-T-G.
Other names: c.5192T>G, p.Met1731Arg (NM_001129827.2, NM_199460.4); c.5171T>G, p.Met1724Arg (NM_001129829.2); c.5048T>G, p.Met1683Arg (NM_001129830.3, NM_001129840.2, NM_001129841.2 and 4 more transcripts); c.5132T>G, p.Met1711Arg (NM_001129831.2); c.5108T>G, p.Met1703Arg (NM_001129832.2); c.5105T>G, p.Met1702Arg (NM_001129833.2, NM_001129834.2, NM_001129835.2); c.5099T>G, p.Met1700Arg (NM_001129836.2); c.5072T>G, p.Met1691Arg (NM_001129837.2, NM_001129838.2); and 3 more; short protein forms M1672R, M1680R, M1702R, M1711R, M1703R, M1683R, M1691R, M1700R.
Identifiers: ClinVar variation 941542 (VCV000941542.10), dbSNP rs1231959976, ClinGen allele CA383378372.
Genomic context (GRCh38, chr12:2,677,824, plus strand): 5'-CTGAGATCCGACGGGCCATCTCTGGAGATCTCACCGCTGAGGAGGAGCTGGACAAGGCCA[T>G]GAAGGAGGCTGTGTCCGCTGCTTCTGAAGATGACATCTTCAGGGTGGGTGGTGCCATGGC-3'
Protein context (NP_000710.5, residues 1673-1693): LTAEEELDKA[Met1683Arg]KEAVSAASED

ClinVar aggregate classification (germline): Uncertain significance (1 of 4 stars; one submission).

Conditions:
Long QT syndrome (LQTS). Identifiers: MedGen C0023976, MeSH D008133, MONDO:0002442. Disease mechanism: loss of function. Inheritance: Various modes of inheritance.

Submission:

Labcorp Genetics (formerly Invitae), Labcorp
Classification: Uncertain significance for Long QT syndrome. Last evaluated: 2019-05-21. Review status: criteria provided, single submitter. Criteria: Invitae Variant Classification Sherloc (09022015). Collection method: clinical testing. Allele origin: germline.
Comment: Algorithms developed to predict the effect of missense changes on protein structure and function are either unavailable or do not agree on the potential impact of this missense change (SIFT: "Deleterious"; PolyPhen-2: "Benign"; Align-GVGD: "Class C0"). In summary, the available evidence is currently insufficient to determine the role of this variant in disease. Therefore, it has been classified as a Variant of Uncertain Significance. This variant has not been reported in the literature in individuals with CACNA1C-related conditions. This sequence change replaces methionine with arginine at codon 1683 of the CACNA1C protein (p.Met1683Arg). The methionine residue is moderately conserved and there is a moderate physicochemical difference between methionine and arginine. This variant is not present in population databases (ExAC no frequency).